The following is an entry in ClinVar:

NM_007137.5(ZNF81):c.465C>T (p.Phe155=)

Gene: ZNF81 (zinc finger protein 81; plus strand). Cytogenetic location: Xp11.23.
Variant type: single nucleotide variant.
Coding change: c.465C>T on transcript NM_007137.5 (MANE Select); coding-DNA position 465, C replaced by T.
Protein change: p.Phe155=; no amino-acid change (phenylalanine 155 retained).
Molecular consequence: synonymous variant. On other transcripts: intron variant (2).
Genome position (GRCh38, 1-based): chrX:47,915,111, C>T. VCF-style: chrX-47915111-C-T. GRCh37 (hg19) VCF-style: chrX-47774510-C-T.
Other names: c.465C>T, p.Phe155= (NM_001378152.1, NM_001378153.1); c.278-8813C>T (NM_001378154.1); c.278-6197C>T (NM_001378155.1).
Identifiers: ClinVar variation 3046454 (VCV003046454.2), dbSNP rs781834843, ClinGen allele CA10399888.

ClinVar aggregate classification (germline): Likely benign (0 of 4 stars; one submission).

Conditions:
ZNF81-related disorder. Also called: ZNF81-related condition.

Allele frequency attached by ClinVar (database versions not stated): ExAC 0.00003; gnomAD 0.00003; TOPMed 0.00004; gnomAD exomes 0.00012.
gnomAD v4.1: 137 of 1,204,810 alleles (0.011%); highest among the groups gnomAD compares: Non-Finnish European, 0.015%; no homozygotes.

Submission:

PreventionGenetics, part of Exact Sciences
Classification: Likely benign for ZNF81-related condition. Last evaluated: 2019-03-18. Review status: no assertion criteria provided. Collection method: clinical testing. Allele origin: germline.
Comment: This variant is classified as likely benign based on ACMG/AMP sequence variant interpretation guidelines (Richards et al. 2015 PMID: 25741868, with internal and published modifications).